The following is an entry in ClinVar:

ClinVar aggregate classification (germline): Uncertain significance. Review status: criteria provided, multiple submitters, no conflicts (2 of 4 stars). 2 submissions from 2 submitters: Uncertain significance (2). Last evaluated 2024-05-21.

Allele frequency attached by ClinVar (database versions not stated): gnomAD 0.00002 and 0.00005; TOPMed 0.00002; gnomAD exomes 0.00003; 1000 Genomes Project 0.00060; 1000 Genomes Project 30x 0.00062.
gnomAD v4.1: 17 of 1,547,446 alleles (0.0011%); highest among the groups gnomAD compares: Middle Eastern, 0.051%; no homozygotes.

Submissions (2):

GeneDx
Classification: Uncertain significance. Last evaluated: 2024-05-21. Review status: criteria provided, single submitter. Criteria: GeneDx Variant Classification Process June 2021. Collection method: clinical testing. Allele origin: germline. Affected: yes.
Comment: In silico analysis indicates that this missense variant does not alter protein structure/function; Has not been previously published as pathogenic or benign to our knowledge

Labcorp Genetics (formerly Invitae), Labcorp
Classification: Uncertain significance. Last evaluated: 2022-08-05. Review status: criteria provided, single submitter. Criteria: Invitae Variant Classification Sherloc (09022015). Collection method: clinical testing. Allele origin: germline.
Comment: This sequence change replaces threonine, which is neutral and polar, with asparagine, which is neutral and polar, at codon 3250 of the ZNF469 protein (p.Thr3250Asn). This variant is present in population databases (rs571738263, gnomAD 0.04%). This variant has not been reported in the literature in individuals affected with ZNF469-related conditions. ClinVar contains an entry for this variant (Variation ID: 423951). Algorithms developed to predict the effect of missense changes on protein structure and function output the following: SIFT: "Tolerated"; PolyPhen-2: "Benign"; Align-GVGD: "Class C0". The asparagine amino acid residue is found in multiple mammalian species, which suggests that this missense change does not adversely affect protein function. In summary, the available evidence is currently insufficient to determine the role of this variant in disease. Therefore, it has been classified as a Variant of Uncertain Significance.

NM_001367624.2(ZNF469):c.9833C>A (p.Thr3278Asn)

Gene: ZNF469 (zinc finger protein 469; plus strand). Cytogenetic location: 16q24.2.
Variant type: single nucleotide variant.
Coding change: c.9833C>A on transcript NM_001367624.2 (MANE Select); coding-DNA position 9833, C replaced by A.
Protein change: p.Thr3278Asn; replaces threonine 3278 with asparagine.
Molecular consequence: missense variant.
Genome position (GRCh38, 1-based): chr16:88,437,303, C>A. VCF-style: chr16-88437303-C-A. GRCh37 (hg19) VCF-style: chr16-88503711-C-A.
Other names: NM_001127464.1:c.9749C>A; short protein forms T3278N.
Identifiers: ClinVar variation 423951 (VCV000423951.6), dbSNP rs571738263, ClinGen allele CA16620286.
Genomic context (GRCh38, chr16:88,437,303, plus strand): 5'-AAGAGGGAGAAGCCAAGAAAGACAGCCCGGGCGAGAGGGCGAAACCCCGGGCACGCAGCA[C>A]CCCCAGCAACCCAGACGGGGCCGCGACCCCAGACAGCGCCTCTGCCACCGCCCTGGCTGA-3'
Protein context (NP_001354553.1, residues 3268-3288): GERAKPRARS[Thr3278Asn]PSNPDGAATP